The following is an entry in ClinVar:

NM_001371623.1(TCOF1):c.337C>A (p.Leu113Met)

Gene: TCOF1 (treacle ribosome biogenesis factor 1; plus strand). Cytogenetic location: 5q32.
Variant type: single nucleotide variant.
Coding change: c.337C>A on transcript NM_001371623.1 (MANE Select); coding-DNA position 337, C replaced by A.
Protein change: p.Leu113Met; replaces leucine 113 with methionine.
Molecular consequence: missense variant.
Genome position (GRCh38, 1-based): chr5:150,367,876, C>A. VCF-style: chr5-150367876-C-A. GRCh37 (hg19) VCF-style: chr5-149747439-C-A.
Other names: c.337C>A, p.Leu113Met (NM_000356.4, NM_001008657.3, NM_001135243.2 and 3 more transcripts); short protein forms L113M.
Identifiers: ClinVar variation 1202868 (VCV001202868.3), dbSNP rs151324548, ClinGen allele CA3510530.

ClinVar aggregate classification (germline): Likely benign (1 of 4 stars; one submission).

Allele frequency attached by ClinVar (database versions not stated): gnomAD 0.00005 and 0.00007; ESP Exome Variant Server 0.00008; TOPMed 0.00010; gnomAD exomes 0.00011; ExAC 0.00012; 1000 Genomes Project 30x 0.00016; 1000 Genomes Project 0.00020.

Submission:

GeneDx
Classification: Likely benign. Last evaluated: 2020-04-06. Review status: criteria provided, single submitter. Criteria: GeneDx Variant Classification Process June 2021. Collection method: clinical testing. Allele origin: germline. Affected: yes.
Comment: In silico analysis supports that this missense variant does not alter protein structure/function; Has not been previously published as pathogenic or benign to our knowledge